The following is an entry in ClinVar:

NM_000458.4(HNF1B):c.469G>C (p.Gly157Arg)

Gene: HNF1B (HNF1 homeobox B; minus strand). Cytogenetic location: 17q12.
Variant type: single nucleotide variant.
Coding change: c.469G>C on transcript NM_000458.4 (MANE Select); coding-DNA position 469, G replaced by C.
Protein change: p.Gly157Arg; replaces glycine 157 with arginine.
Molecular consequence: missense variant.
Genome position (GRCh38, 1-based): chr17:37,739,515, C>G on the plus strand (G>C on the coding strand, the complement: HNF1B is on the minus strand). VCF-style: chr17-37739515-C-G. GRCh37 (hg19) VCF-style: chr17-36099506-C-G.
Other names: c.469G>C, p.Gly157Arg (NM_001165923.4, NM_001304286.2, NM_001411100.1); short protein forms G157R.
Identifiers: ClinVar variation 4537993 (VCV004537993.1).

ClinVar aggregate classification (germline): Uncertain significance (1 of 4 stars; one submission).

Submission:

GeneDx
Classification: Uncertain significance. Last evaluated: 2025-06-11. Review status: criteria provided, single submitter. Criteria: GeneDx Variant Classification Process June 2021. Collection method: clinical testing. Allele origin: germline. Affected: yes.
Comment: Not observed at significant frequency in large population cohorts (gnomAD); In silico analysis supports that this missense variant has a deleterious effect on protein structure/function; Has not been previously published as pathogenic or benign to our knowledge; This variant is associated with the following publications: (PMID: 17924661)